The following is an entry in ClinVar:

NM_001308093.3(GATA4):c.49G>A (p.Ala17Thr)

Gene: GATA4 (GATA binding protein 4). Cytogenetic location: 8p23.1.
Variant type: single nucleotide variant.
Coding change: c.49G>A on transcript NM_001308093.3 (MANE Select); coding-DNA position 49, G replaced by A.
Protein change: p.Ala17Thr; replaces alanine 17 with threonine.
Molecular consequence: missense variant. On other transcripts: intron variant (3).
Genome position (GRCh38, 1-based): chr8:11,708,361, G>A. VCF-style: chr8-11708361-G-A. GRCh37 (hg19) VCF-style: chr8-11565870-G-A.
Other names: c.49G>A, p.Ala17Thr (NM_002052.5); c.-6+7583G>A (NM_001308094.2); c.-3+347G>A (NM_001374274.1); c.-3+4057G>A (NM_001374273.1); short protein forms A17T.
Identifiers: ClinVar variation 4752355 (VCV004752355.1).

ClinVar aggregate classification (germline): Uncertain significance (1 of 4 stars; one submission).

Conditions:
Atrioventricular septal defect 4 (AVSD4). Identifiers: MedGen C3280781, MONDO:0013747, OMIM 614430.

gnomAD v4.1: 2 of 1,577,414 alleles (0.00013%); highest among the groups gnomAD compares: Non-Finnish European, 0.00017%; no homozygotes.

Submission:

Labcorp Genetics (formerly Invitae), Labcorp
Classification: Uncertain significance for Atrioventricular septal defect 4. Last evaluated: 2025-02-19. Review status: criteria provided, single submitter. Criteria: Invitae Variant Classification Sherloc (09022015). Collection method: clinical testing. Allele origin: germline.
Comment: This sequence change replaces alanine, which is neutral and non-polar, with threonine, which is neutral and polar, at codon 17 of the GATA4 protein (p.Ala17Thr). This variant is not present in population databases (gnomAD no frequency). This variant has not been reported in the literature in individuals affected with GATA4-related conditions. Invitae Evidence Modeling of protein sequence and biophysical properties (such as structural, functional, and spatial information, amino acid conservation, physicochemical variation, residue mobility, and thermodynamic stability) indicates that this missense variant is not expected to disrupt GATA4 protein function with a negative predictive value of 95%. In summary, the available evidence is currently insufficient to determine the role of this variant in disease. Therefore, it has been classified as a Variant of Uncertain Significance.